The following is an entry in ClinVar:

ClinVar aggregate classification (germline): Uncertain significance (1 of 4 stars; one submission).

Conditions:
Arrhythmogenic right ventricular dysplasia 5. Also called: ARRHYTHMOGENIC RIGHT VENTRICULAR DYSPLASIA, FAMILIAL, 5; Arrhythmogenic Right Ventricular Dysplasia/Cardiomyopathy 5. Identifiers: MedGen C1858379, MONDO:0011459, OMIM 604400.

Allele frequency attached by ClinVar (database versions not stated): gnomAD 0.00001.
gnomAD v4.1: 1 of 1,613,564 alleles (0.000062%); highest among the groups gnomAD compares: Admixed American, 0.0017%; no homozygotes.

Submission:

Labcorp Genetics (formerly Invitae), Labcorp
Classification: Uncertain significance for Arrhythmogenic right ventricular dysplasia 5. Last evaluated: 2023-09-21. Review status: criteria provided, single submitter. Criteria: Invitae Variant Classification Sherloc (09022015). Collection method: clinical testing. Allele origin: germline.
Comment: This variant has not been reported in the literature in individuals affected with TMEM43-related conditions. In summary, the available evidence is currently insufficient to determine the role of this variant in disease. Therefore, it has been classified as a Variant of Uncertain Significance. Algorithms developed to predict the effect of sequence changes on RNA splicing suggest that this variant may disrupt the consensus splice site. ClinVar contains an entry for this variant (Variation ID: 1406209). This variant is not present in population databases (gnomAD no frequency). This sequence change affects an acceptor splice site in intron 2 of the TMEM43 gene. It is expected to disrupt RNA splicing. Variants that disrupt the donor or acceptor splice site typically lead to a loss of protein function (PMID: 16199547), however the current clinical and genetic evidence is not sufficient to establish whether loss-of-function variants in TMEM43 cause disease.

Literature cited by the submitters: PubMed 16199547.

NM_024334.3(TMEM43):c.163-2A>T

Gene: TMEM43 (transmembrane protein 43; plus strand). Cytogenetic location: 3p25.1.
Variant type: single nucleotide variant.
Coding change: c.163-2A>T on transcript NM_024334.3 (MANE Select); the canonical splice acceptor site of the intron before coding-DNA position 163, A replaced by T.
Molecular consequence: splice acceptor variant. On other transcripts: intron variant (1).
Genome position (GRCh38, 1-based): chr3:14,130,820, A>T. VCF-style: chr3-14130820-A-T. GRCh37 (hg19) VCF-style: chr3-14172320-A-T.
Other names: c.163-2A>T (NM_001407274.1, NM_001407276.1, NM_001407275.1 and 2 more transcripts); c.163-17A>T (NM_001407278.1); c.13-2A>T (NM_001407280.1).
Identifiers: ClinVar variation 1406209 (VCV001406209.7), dbSNP rs745694031, ClinGen allele CA351534479.